The following is an entry in ClinVar:

NM_000246.4(CIITA):c.1795C>T (p.Arg599Trp)

Gene: CIITA (class II major histocompatibility complex transactivator; plus strand). Cytogenetic location: 16p13.13.
Variant type: single nucleotide variant.
Coding change: c.1795C>T on transcript NM_000246.4 (MANE Select); coding-DNA position 1795, C replaced by T.
Protein change: p.Arg599Trp; replaces arginine 599 with tryptophan.
Molecular consequence: missense variant. On other transcripts: intron variant (1).
Genome position (GRCh38, 1-based): chr16:10,907,287, C>T. VCF-style: chr16-10907287-C-T. GRCh37 (hg19) VCF-style: chr16-11001144-C-T.
Other names: c.1798C>T, p.Arg600Trp (NM_001286402.1, NM_001379332.1); c.1651C>T, p.Arg551Trp (NM_001379330.1); c.1648C>T, p.Arg550Trp (NM_001379331.1); c.1795C>T, p.Arg599Trp (NM_001379333.1); c.1726C>T, p.Arg576Trp (NM_001379334.1); c.860-1696C>T (NM_001286403.2); short protein forms R600W, R599W, R550W, R551W, R576W.
Identifiers: ClinVar variation 851789 (VCV000851789.8), dbSNP rs375045681, ClinGen allele CA7900221.
Genomic context (GRCh38, chr16:10,907,287, plus strand): 5'-ATGCGCTACTTTGAGAGCTCAGGGATGACAGAGCACCAAGACAGAGCCCTGACGCTCCTC[C>T]GGGACCGGCCACTTCTTCTCAGTCACAGCCACAGCCCTACTTTGTGCCGGGCAGTGTGCC-3'
Protein context (NP_000237.2, residues 589-609): EHQDRALTLL[Arg599Trp]DRPLLLSHSH

ClinVar aggregate classification (germline): Uncertain significance. Review status: criteria provided, single submitter (1 of 4 stars). 2 submissions from 2 submitters: Uncertain significance (1). 1 of the submissions does not count toward it. Last evaluated 2022-07-19.

Conditions:
MHC class II deficiency. Also called: BLS, TYPE II; Bare lymphocyte syndrome 2. Identifiers: Orphanet 572, MedGen C5447452, MONDO:0008855.

Allele frequency attached by ClinVar (database versions not stated): gnomAD 0.00001; gnomAD exomes 0.00001; ExAC 0.00002; TOPMed 0.00002; ESP Exome Variant Server 0.00008.
gnomAD v4.1: 8 of 1,613,428 alleles (0.0005%); highest among the groups gnomAD compares: African/African-American, 0.0013%; no homozygotes.

Submissions (2):

Labcorp Genetics (formerly Invitae), Labcorp
Classification: Uncertain significance for MHC class II deficiency. Last evaluated: 2022-07-19. Review status: criteria provided, single submitter. Criteria: Invitae Variant Classification Sherloc (09022015). Collection method: clinical testing. Allele origin: germline.
Comment: This sequence change replaces arginine, which is basic and polar, with tryptophan, which is neutral and slightly polar, at codon 599 of the CIITA protein (p.Arg599Trp). This variant is present in population databases (rs375045681, gnomAD 0.008%). This variant has not been reported in the literature in individuals affected with CIITA-related conditions. ClinVar contains an entry for this variant (Variation ID: 851789). Algorithms developed to predict the effect of missense changes on protein structure and function are either unavailable or do not agree on the potential impact of this missense change (SIFT: "Deleterious"; PolyPhen-2: "Benign"; Align-GVGD: "Class C15"). In summary, the available evidence is currently insufficient to determine the role of this variant in disease. Therefore, it has been classified as a Variant of Uncertain Significance.

Natera, Inc.
Classification: Uncertain significance for Bare lymphocyte syndrome type II. Last evaluated: 2020-02-21. Review status: no assertion criteria provided. Collection method: clinical testing. Allele origin: germline. Not counted in ClinVar's aggregate classification.